The following is an entry in ClinVar:

NM_001376.5(DYNC1H1):c.9337A>G (p.Met3113Val)

Genes: DYNC1H1 (dynein cytoplasmic 1 heavy chain 1; plus strand), LOC126862060 (BRD4-independent group 4 enhancer GRCh37_chr14:102493659-102494858; plus strand). Cytogenetic location: 14q32.31.
Variant type: single nucleotide variant.
Coding change: c.9337A>G on transcript NM_001376.5 (MANE Select); coding-DNA position 9337, A replaced by G.
Protein change: p.Met3113Val; replaces methionine 3113 with valine.
Molecular consequence: missense variant.
Genome position (GRCh38, 1-based): chr14:102,028,010, A>G. VCF-style: chr14-102028010-A-G. GRCh37 (hg19) VCF-style: chr14-102494347-A-G.
Other names: short protein forms M3113V.
Identifiers: ClinVar variation 1371516 (VCV001371516.6), dbSNP rs1046324894, ClinGen allele CA266962872.

ClinVar aggregate classification (germline): Uncertain significance (1 of 4 stars; one submission).

Conditions:
Charcot-Marie-Tooth disease axonal type 2O. Also called: Charcot-Marie-Tooth Neuropathy Type 2O; Charcot-Marie-Tooth disease, axonal, type 20; CHARCOT-MARIE-TOOTH NEUROPATHY, AXONAL, TYPE 2O; CHARCOT-MARIE-TOOTH DISEASE, AXONAL, AUTOSOMAL DOMINANT, TYPE 2O. Identifiers: Orphanet 284232, MedGen C3280220, MONDO:0013644, OMIM 614228.

Allele frequency attached by ClinVar (database versions not stated): gnomAD exomes below 0.00001.
gnomAD v4.1: 1 of 1,614,164 alleles (0.000062%); highest among the groups gnomAD compares: Non-Finnish European, 0.000085%; no homozygotes.

Submission:

Labcorp Genetics (formerly Invitae), Labcorp
Classification: Uncertain significance for Charcot-Marie-Tooth disease axonal type 2O. Last evaluated: 2023-08-31. Review status: criteria provided, single submitter. Criteria: Invitae Variant Classification Sherloc (09022015). Collection method: clinical testing. Allele origin: germline.
Comment: In summary, the available evidence is currently insufficient to determine the role of this variant in disease. Therefore, it has been classified as a Variant of Uncertain Significance. Advanced modeling of protein sequence and biophysical properties (such as structural, functional, and spatial information, amino acid conservation, physicochemical variation, residue mobility, and thermodynamic stability) performed at Invitae indicates that this missense variant is not expected to disrupt DYNC1H1 protein function. ClinVar contains an entry for this variant (Variation ID: 1371516). This variant has not been reported in the literature in individuals affected with DYNC1H1-related conditions. This variant is not present in population databases (gnomAD no frequency). This sequence change replaces methionine, which is neutral and non-polar, with valine, which is neutral and non-polar, at codon 3113 of the DYNC1H1 protein (p.Met3113Val).